The following is an entry in ClinVar:

ClinVar aggregate classification (germline): conflicting data from submitters (0 of 4 stars; one submission).

Submission:

ISCA site 1
Classification: conflicting data from submitters. Last evaluated: 2012-03-12. Review status: no assertion criteria provided. Collection method: clinical testing. Allele origin: unknown, maternal. Affected: yes. Observed: 2 variant alleles.
Comment: Uncertain significance(1), Likely benign (1)

Copy number variation identified through the course of routine clinical cytogenomic testing in postnatal populations, with clinical assertions as classified by the original submitter. For data from the original published study, Kaminsky, et al. 2011 (PubMed 21844811), please see nstd101.

GRCh38/hg38 11p11.2(chr11:47992987-48761561)x3

Genes: OR4A47 (olfactory receptor family 4 subfamily A member 47; plus strand), OR4B1 (olfactory receptor family 4 subfamily B member 1; plus strand), OR4C3 (olfactory receptor family 4 subfamily C member 3; plus strand), OR4C5 (olfactory receptor family 4 subfamily C member 5; minus strand), OR4S1 (olfactory receptor family 4 subfamily S member 1; plus strand) and 12 more. Cytogenetic location: 11p11.2.
Variant type: copy number gain.
Change: copy number 3 (three copies instead of two) of chr11:47,992,987-48,761,561 (768.6 kb, GRCh38 coordinates, 1-based), cytogenetic band 11p11.2.
Identifiers: ClinVar variation 148872 (VCV000148872.2).